The following is an entry in ClinVar:

ClinVar aggregate classification (germline): Uncertain significance. Review status: criteria provided, multiple submitters, no conflicts (2 of 4 stars). 2 submissions from 2 submitters: Uncertain significance (2). Last evaluated 2025-12-03.

Allele frequency attached by ClinVar (database versions not stated): gnomAD exomes 0.00006; ExAC 0.00007; TOPMed 0.00010; gnomAD 0.00011.
gnomAD v4.1: 184 of 1,614,006 alleles (0.011%); highest among the groups gnomAD compares: Non-Finnish European, 0.014%; no homozygotes.

Submissions (2):

Labcorp Genetics (formerly Invitae), Labcorp
Classification: Uncertain significance. Last evaluated: 2025-12-03. Review status: criteria provided, single submitter. Criteria: Invitae Variant Classification Sherloc (09022015). Collection method: clinical testing. Allele origin: germline.
Comment: This sequence change replaces serine, which is neutral and polar, with leucine, which is neutral and non-polar, at codon 510 of the RNF31 protein (p.Ser510Leu). This variant is present in population databases (rs768564270, gnomAD 0.01%). This variant has not been reported in the literature in individuals affected with RNF31-related conditions. ClinVar contains an entry for this variant (Variation ID: 1494150). An algorithm developed to predict the effect of missense changes on protein structure and function (PolyPhen-2) suggests that this variant is likely to be tolerated. In summary, the available evidence is currently insufficient to determine the role of this variant in disease. Therefore, it has been classified as a Variant of Uncertain Significance.

Ambry Genetics
Classification: Uncertain significance. Last evaluated: 2025-02-22. Review status: criteria provided, single submitter. Criteria: Ambry Variant Classification Scheme 2023. Collection method: clinical testing. Allele origin: germline.

NM_017999.5(RNF31):c.1529C>T (p.Ser510Leu)

Gene: RNF31 (ring finger protein 31; plus strand). Cytogenetic location: 14q12.
Variant type: single nucleotide variant.
Coding change: c.1529C>T on transcript NM_017999.5 (MANE Select); coding-DNA position 1529, C replaced by T.
Protein change: p.Ser510Leu; replaces serine 510 with leucine.
Molecular consequence: missense variant.
Genome position (GRCh38, 1-based): chr14:24,151,171, C>T. VCF-style: chr14-24151171-C-T. GRCh37 (hg19) VCF-style: chr14-24620380-C-T.
Other names: c.1076C>T, p.Ser359Leu (NM_001310332.2); c.1529C>T (NM_017999.4); short protein forms S510L, S359L.
Identifiers: ClinVar variation 1494150 (VCV001494150.7), dbSNP rs768564270, ClinGen allele CA7125816.